The following is an entry in ClinVar:

ClinVar aggregate classification (germline): Pathogenic (1 of 4 stars; one submission).

Submission:

Labcorp Genetics (formerly Invitae), Labcorp
Classification: Pathogenic. Last evaluated: 2023-07-16. Review status: criteria provided, single submitter. Criteria: Invitae Variant Classification Sherloc (09022015). Collection method: clinical testing. Allele origin: germline.
Comment: For these reasons, this variant has been classified as Pathogenic. This variant has not been reported in the literature in individuals affected with ERCC6-related conditions. This variant is not present in population databases (gnomAD no frequency). This sequence change creates a premature translational stop signal (p.Lys997Glnfs*4) in the ERCC6 gene. It is expected to result in an absent or disrupted protein product. Loss-of-function variants in ERCC6 are known to be pathogenic (PMID: 18628313, 29572252).

Literature cited by the submitters: PubMed 18628313; PubMed 29572252.

NM_000124.4(ERCC6):c.2987dup (p.Lys997fs)

Gene: ERCC6 (ERCC excision repair 6, chromatin remodeling factor; minus strand). Cytogenetic location: 10q11.23.
Variant type: Duplication.
Coding change: c.2987dup on transcript NM_000124.4 (MANE Select); coding-DNA position 2987, one base duplicated (T; older notation c.2987dupT).
Protein change: p.Lys997fs; shifts the reading frame from lysine 997.
Molecular consequence: frameshift variant.
Genome position (GRCh38, 1-based): chr10:49,471,058, A duplicated on the plus strand (T on the coding strand, the reverse complement: ERCC6 is on the minus strand); the first of 5 consecutive A bases (chr10:49,471,058-49,471,062); duplicating any one gives the same sequence. VCF-style (leftmost placement, unchanged base first): chr10-49471057-G-GA. GRCh37 (hg19) VCF-style: chr10-50679103-G-GA.
Other names: c.2987dup, p.Lys997fs (NM_001346440.2); short protein forms K997fs.
Identifiers: ClinVar variation 2743674 (VCV002743674.3), dbSNP rs2495974734, ClinGen allele CA2697558385.
Genomic context (GRCh38, chr10:49,471,057, plus strand): 5'-AGTGCTCTGGGATGCATCAGGACTAGTCAGAGTAAATAGCTCATAGAGATCATTGGATTT[G>GA]AAAAACCGCCTTTGTTTTGGGTCTTTTAGCACTCTATTTGTCAAAAACTGCTTGAAGATT-3'